The following is an entry in ClinVar:

NM_001005242.3(PKP2):c.1379-2071G>A

Gene: PKP2 (plakophilin 2; minus strand). Cytogenetic location: 12p11.21.
Variant type: single nucleotide variant.
Coding change: c.1379-2071G>A on transcript NM_001005242.3 (MANE Select); 2071 bases into the intron before coding-DNA position 1379, G replaced by A.
Molecular consequence: intron variant. On other transcripts: synonymous variant (1).
Genome position (GRCh38, 1-based): chr12:32,843,276, C>T on the plus strand (G>A on the coding strand, the complement: PKP2 is on the minus strand). VCF-style: chr12-32843276-C-T. GRCh37 (hg19) VCF-style: chr12-32996210-C-T.
Other names: c.1416G>A, p.Pro472= (NM_004572.4).
Identifiers: ClinVar variation 698843 (VCV000698843.35), dbSNP rs776244945, ClinGen allele CA028172.

ClinVar aggregate classification (germline): Likely benign. Review status: criteria provided, multiple submitters, no conflicts (2 of 4 stars). 10 submissions from 10 submitters: Likely benign (10). Last evaluated 2026-09-01.

Conditions:
Cardiomyopathy (CMYO). Also called: Cardiomyopathies. Identifiers: Orphanet 167848, MedGen C0878544, MONDO:0004994, HP:0001638. Inheritance: Various modes of inheritance.
Arrhythmogenic right ventricular dysplasia 9 (ARVD9). Also called: ARRHYTHMOGENIC RIGHT VENTRICULAR DYSPLASIA, FAMILIAL, 9; Arrhythmogenic Right Ventricular Dysplasia/Cardiomyopathy 9. Identifiers: MedGen C1836906, MONDO:0012180, OMIM 609040.
PKP2-related disorder. Also called: PKP2-related condition.
Cardiovascular phenotype. Identifiers: MedGen CN230736.
Arrhythmogenic right ventricular cardiomyopathy (ARVD). Also called: Cardiomyopathy, ARVC; Arrhythmogenic cardiomyopathy; Arrhythmogenic right ventricular dysplasia; Arrhythmogenic Right Ventricular Cardiomyopathy (ARVC). Identifiers: Orphanet 247, MedGen C0349788, MeSH D019571, MONDO:0016587. Disease mechanism: loss of function. Inheritance: Various modes of inheritance.

Allele frequency attached by ClinVar (database versions not stated): gnomAD 0.00002; gnomAD exomes 0.00002 and 0.00005; ExAC 0.00004; TOPMed 0.00004.
gnomAD v4.1: 32 of 1,347,578 alleles (0.0024%); highest among the groups gnomAD compares: East Asian, 0.0091%; no homozygotes.

Submissions (10):

CeGaT Center for Human Genetics Tuebingen
Classification: Likely benign. Last evaluated: 2026-09-01. Review status: criteria provided, single submitter. Criteria: CeGaT Center For Human Genetics Tuebingen Variant Classification Criteria Version 2. Collection method: clinical testing. Allele origin: germline. Affected: yes. Observed: 2 variant alleles.
Comment: PKP2: BP4, BP7

PreventionGenetics, part of Exact Sciences
Classification: Likely benign for PKP2-related condition. Last evaluated: 2026-02-03. Review status: criteria provided, single submitter. Criteria: ACMG Guidelines, 2015. Collection method: clinical testing. Allele origin: germline.
Comment: This variant is classified as likely benign based on ACMG/AMP sequence variant interpretation guidelines (Richards et al. 2015 PMID: 25741868, with internal and published modifications).

Labcorp Genetics (formerly Invitae), Labcorp
Classification: Likely benign for Arrhythmogenic right ventricular dysplasia 9. Last evaluated: 2026-01-27. Review status: criteria provided, single submitter. Criteria: Invitae Variant Classification Sherloc (09022015). Collection method: clinical testing. Allele origin: germline.

Molecular Diagnostic Laboratory for Inherited Cardiovascular Disease, Montreal Heart Institute
Classification: Likely benign. Last evaluated: 2025-04-09. Review status: criteria provided, single submitter. Criteria: ACMG Guidelines, 2015. Collection method: clinical testing. Allele origin: germline. Affected: no.

Blueprint Genetics
Classification: Likely benign. Last evaluated: 2024-09-10. Review status: criteria provided, single submitter. Criteria: ACMG Guidelines, 2015. Collection method: clinical testing. Allele origin: germline.

All of Us Research Program, National Institutes of Health
Classification: Likely benign for Arrhythmogenic right ventricular cardiomyopathy. Last evaluated: 2024-07-20. Review status: criteria provided, single submitter. Criteria: ACMG Guidelines, 2015. Collection method: clinical testing. Allele origin: germline. Inheritance: Autosomal dominant inheritance. Observed: 8 variant alleles, 8 heterozygotes.
Comment: This study involves interpretation of variants in research participants for the purpose of population health screening. Participant phenotype was not available at the time of variant classification. Additional details can be found in publication PMID: 35346344, PMCID: PMC8962531

ARUP Laboratories, Molecular Genetics and Genomics, ARUP Laboratories
Classification: Likely benign for Arrhythmogenic right ventricular dysplasia 9. Last evaluated: 2023-09-15. Review status: criteria provided, single submitter. Criteria: ARUP Molecular Germline Variant Investigation Process 2024. Collection method: clinical testing. Allele origin: germline.

Fulgent Genetics
Classification: Likely benign for Arrhythmogenic right ventricular dysplasia 9. Last evaluated: 2022-01-22. Review status: criteria provided, single submitter. Criteria: ACMG Guidelines, 2015. Collection method: clinical testing. Allele origin: unknown.

Ambry Genetics
Classification: Likely benign for Cardiovascular phenotype. Last evaluated: 2019-01-07. Review status: criteria provided, single submitter. Criteria: Ambry Variant Classification Scheme 2023. Collection method: clinical testing. Allele origin: germline.

Color Diagnostics, LLC DBA Color Health
Classification: Likely benign for Cardiomyopathy. Last evaluated: 2018-12-04. Review status: criteria provided, single submitter. Criteria: ACMG Guidelines, 2015. Collection method: clinical testing. Allele origin: germline.